The following is an entry in ClinVar:

NM_001267550.2(TTN):c.40408+8del

Gene: TTN (titin; minus strand). Cytogenetic location: 2q31.2.
Variant type: Deletion.
Coding change: c.40408+8del on transcript NM_001267550.2 (MANE Select); 8 bases into the intron after coding-DNA position 40408, one base deleted (A; older notation c.40408+8delA).
Molecular consequence: intron variant.
Genome position (GRCh38, 1-based): chr2:178,645,912, T deleted on the plus strand (A on the coding strand, the reverse complement: TTN is on the minus strand); the first of 6 consecutive T bases (chr2:178,645,912-178,645,917); deleting any one gives the same sequence. VCF-style (leftmost placement, unchanged base first): chr2-178645911-AT-A. GRCh37 (hg19) VCF-style: chr2-179510638-AT-A.
Other names: c.40408+8del (LRG_391t1); c.40408+8delA (NM_001267550.2); c.35485+8del (NM_001256850.1); c.32704+8delA (NM_133378.4); c.13283-3595del (NM_003319.4); c.13859-3595del (NM_133437.4); c.13658-3595del (NM_133432.3); c.32704+8del (NM_133378.4); and 1 more.
Identifiers: ClinVar variation 179522 (VCV000179522.64), dbSNP rs727504922, ClinGen allele CA184586.

ClinVar aggregate classification (germline): Benign/Likely benign. Review status: criteria provided, multiple submitters, no conflicts (2 of 4 stars). 9 submissions from 9 submitters: Benign (4); Likely benign (5). Last evaluated 2026-09-01.

Conditions:
TTN-related disorder. Also called: TTN-related disorders; TTN-related condition; TTN-related disease.
Autosomal recessive limb-girdle muscular dystrophy type 2J (LGMDR10). Also called: Limb-girdle muscular dystrophy, type 2J; MUSCULAR DYSTROPHY, LIMB-GIRDLE, AUTOSOMAL RECESSIVE 10. Identifiers: Orphanet 140922, MedGen C1837342, MONDO:0012127, OMIM 608807.
Dilated cardiomyopathy 1G (CMD1G). Identifiers: Orphanet 154, MedGen C1858763, MONDO:0011400, OMIM 604145.
Cardiomyopathy (CMYO). Also called: Cardiomyopathies. Identifiers: Orphanet 167848, MedGen C0878544, MONDO:0004994, HP:0001638. Inheritance: Various modes of inheritance.

Submissions (9):

CeGaT Center for Human Genetics Tuebingen
Classification: Likely benign. Last evaluated: 2026-09-01. Review status: criteria provided, single submitter. Criteria: CeGaT Center For Human Genetics Tuebingen Variant Classification Criteria Version 2. Collection method: clinical testing. Allele origin: germline. Affected: yes. Observed: 11 variant alleles.
Comment: TTN: BP4

Labcorp Genetics (formerly Invitae), Labcorp
Classification: Likely benign for Dilated cardiomyopathy 1G; Autosomal recessive limb-girdle muscular dystrophy type 2J. Last evaluated: 2026-02-03. Review status: criteria provided, single submitter. Criteria: Invitae Variant Classification Sherloc (09022015). Collection method: clinical testing. Allele origin: germline.

PreventionGenetics, part of Exact Sciences
Classification: Likely benign for TTN-related condition. Last evaluated: 2025-03-04. Review status: criteria provided, single submitter. Criteria: ACMG Guidelines, 2015. Collection method: clinical testing. Allele origin: germline.
Comment: This variant is classified as likely benign based on ACMG/AMP sequence variant interpretation guidelines (Richards et al. 2015 PMID: 25741868, with internal and published modifications).

Blueprint Genetics
Classification: Likely benign. Last evaluated: 2024-11-25. Review status: criteria provided, single submitter. Criteria: ACMG Guidelines, 2015. Collection method: clinical testing. Allele origin: germline.

CHEO Genetics Diagnostic Laboratory, Children's Hospital of Eastern Ontario
Classification: Benign for Cardiomyopathy. Last evaluated: 2017-04-05. Review status: criteria provided, single submitter. Criteria: ACMG Guidelines, 2015. Collection method: clinical testing. Allele origin: germline. Study: Canadian Open Genetics Repository.

Eurofins Ntd Llc (ga)
Classification: Likely benign. Last evaluated: 2017-02-07. Review status: criteria provided, single submitter. Criteria: EGL Classification Definitions 2015. Collection method: clinical testing. Allele origin: germline. Observed: 4 variant alleles, 2 heterozygotes.

Athena Diagnostics
Classification: Benign. Last evaluated: 2016-11-18. Review status: criteria provided, single submitter. Criteria: Athena Diagnostics Criteria. Collection method: clinical testing. Allele origin: germline.

GeneDx
Classification: Benign. Last evaluated: 2015-09-24. Review status: criteria provided, single submitter. Criteria: GeneDx Variant Classification (06012015). Collection method: clinical testing. Allele origin: germline. Affected: yes.
Comment: This variant is considered likely benign or benign based on one or more of the following criteria: it is a conservative change, it occurs at a poorly conserved position in the protein, it is predicted to be benign by multiple in silico algorithms, and/or has population frequency not consistent with disease.

Laboratory for Molecular Medicine, Mass General Brigham Personalized Medicine
Classification: Benign. Last evaluated: 2014-07-16. Review status: criteria provided, single submitter. Criteria: LMM Criteria. Collection method: clinical testing. Allele origin: germline. Observed: 3 variant alleles.
Comment: Benign based on high frequency in ESP (6% EA)